The following is an entry in ClinVar:

NM_000535.7(PMS2):c.1771del (p.Cys591fs)

Gene: PMS2 (PMS1 homolog 2, mismatch repair system component; minus strand). Cytogenetic location: 7p22.1.
Variant type: Deletion.
Coding change: c.1771del on transcript NM_000535.7 (MANE Select); coding-DNA position 1771, one base deleted (T; older notation c.1771delT).
Protein change: p.Cys591fs; shifts the reading frame from cysteine 591.
Molecular consequence: frameshift variant. On other transcripts: non-coding transcript variant (1), intron variant (1).
Genome position (GRCh38, 1-based): chr7:5,986,994, A deleted on the plus strand (T on the coding strand, the reverse complement: PMS2 is on the minus strand); the first of 3 consecutive A bases (chr7:5,986,994-5,986,996); deleting any one gives the same sequence. VCF-style (leftmost placement, unchanged base first): chr7-5986993-CA-C. GRCh37 (hg19) VCF-style: chr7-6026624-CA-C.
Other names: c.1364delT, p.Cys456Valfs (NM_001018040.1); c.1366del, p.Cys456fs (NM_001322003.2, NM_001322004.2, NM_001322005.2 and 16 more transcripts); c.1615del, p.Cys539fs (NM_001322006.2, NM_001406870.1); c.1453del, p.Cys485fs (NM_001322007.2, NM_001322008.2, NM_001406876.1 and 2 more transcripts); c.1210del, p.Cys404fs (NM_001322010.2, NM_001406906.1, NM_001406907.1); c.838del, p.Cys280fs (NM_001322011.2, NM_001322012.2); c.1198del, p.Cys400fs (NM_001322013.2, NM_001406909.1); c.1771del, p.Cys591fs (NM_001322014.2, NM_001406871.1, NM_001406872.1); and 15 more; short protein forms C334fs, C436fs, C469fs, C488fs, C555fs, C280fs, C456fs, C485fs.
Identifiers: ClinVar variation 2586333 (VCV002586333.3), dbSNP rs2535736045, ClinGen allele CA2582341721.

ClinVar aggregate classification (germline): Pathogenic. Review status: criteria provided, multiple submitters, no conflicts (2 of 4 stars). 2 submissions from 2 submitters: Pathogenic (2). Last evaluated 2024-07-23.

Conditions:
Lynch syndrome 4 (LYNCH4). Also called: Colorectal cancer, hereditary nonpolyposis, type 4; Hereditary non-polyposis colorectal cancer, type 4. Identifiers: Orphanet 144, MedGen C1838333, MONDO:0013699, OMIM 614337. Disease mechanism: loss of function.
Hereditary cancer-predisposing syndrome. Also called: Hereditary neoplastic syndrome; Tumor predisposition; Hereditary Cancer Syndrome; Neoplastic Syndromes, Hereditary. Identifiers: Orphanet 140162, MedGen C0027672, MeSH D009386, MONDO:0015356.

Submissions (2):

Myriad Genetics, Inc.
Classification: Pathogenic for Lynch syndrome 4. Last evaluated: 2024-07-23. Review status: criteria provided, single submitter. Criteria: Myriad Autosomal Dominant, Autosomal Recessive and X-Linked Classification Criteria (2023). Collection method: clinical testing. Allele origin: unknown.
Comment: This variant is considered pathogenic. This variant creates a frameshift predicted to result in premature protein truncation.

Ambry Genetics
Classification: Pathogenic for Hereditary cancer-predisposing syndrome. Last evaluated: 2023-07-22. Review status: criteria provided, single submitter. Criteria: Ambry Variant Classification Scheme 2023. Collection method: clinical testing. Allele origin: germline.
Comment: The c.1771delT pathogenic mutation, located in coding exon 11 of the PMS2 gene, results from a deletion of one nucleotide at nucleotide position 1771, causing a translational frameshift with a predicted alternate stop codon (p.C591Vfs*4). This variant is considered to be rare based on population cohorts in the Genome Aggregation Database (gnomAD). This alteration is expected to result in loss of function by premature protein truncation or nonsense-mediated mRNA decay. As such, this alteration is interpreted as a disease-causing mutation.